The following is an entry in ClinVar:

ClinVar aggregate classification (germline): Likely pathogenic (1 of 4 stars; one submission).

Conditions:
Alzheimer disease. Also called: Presenile and senile dementia; Alzheimer's disease. Identifiers: Orphanet 1020, MedGen C0002395, MeSH D000544, MONDO:0004975, HP:0002511.

Submission:

Human Genetics Group at Institute of Prion Diseases London, University College London
Classification: Likely pathogenic for Alzheimer disease type 1. Last evaluated: 2017-02-01. Review status: criteria provided, single submitter. Criteria: Koriath et al. 2018. Collection method: research. Allele origin: unknown. Affected: yes. Observed: 2 variant alleles.
Comment: not on exac, not on evs. In silico not consistent. Mutation located in intracellular tyrosine kinase domain Clinical description fits Hereditary Diffuse Leukoencephalopathy with spheroids. Big amino acid change from small hydrophobic alanine to big special case proline

Confirmed by Sanger sequencing

NM_001288705.3(CSF1R):c.2326C>T (p.His776Tyr)

Gene: CSF1R (colony stimulating factor 1 receptor; minus strand). Cytogenetic location: 5q32.
Variant type: single nucleotide variant.
Coding change: c.2326C>T on transcript NM_001288705.3 (MANE Select); coding-DNA position 2326, C replaced by T.
Protein change: p.His776Tyr; replaces histidine 776 with tyrosine.
Molecular consequence: missense variant. On other transcripts: non-coding transcript variant (2).
Genome position (GRCh38, 1-based): chr5:150,056,335, G>A on the plus strand (C>T on the coding strand, the complement: CSF1R is on the minus strand). VCF-style: chr5-150056335-G-A. GRCh37 (hg19) VCF-style: chr5-149435898-G-A.
Other names: c.2326C>T, p.His776Tyr (NM_001349736.2, NM_001375320.1, NM_005211.4); c.1882C>T, p.His628Tyr (NM_001375321.1); short protein forms H776Y, H628Y.
Identifiers: ClinVar variation 599608 (VCV000599608.1), dbSNP rs1561905293, ClinGen allele CA361759066.